The following is an entry in ClinVar:

ClinVar aggregate classification (germline): Pathogenic/Likely pathogenic. Review status: criteria provided, multiple submitters, no conflicts (2 of 4 stars). 2 submissions from 2 submitters: Pathogenic (1); Likely pathogenic (1). Last evaluated 2024-03-06.

Conditions:
Glycogen storage disease, type IV (GSD4). Also called: AMYLOPECTINOSIS; ANDERSEN DISEASE; BRANCHER DEFICIENCY; CIRRHOSIS, FAMILIAL, WITH DEPOSITION OF ABNORMAL GLYCOGEN; GBE1 DEFICIENCY; GLYCOGEN BRANCHING ENZYME DEFICIENCY. Identifiers: Orphanet 367, MedGen C0017923, MONDO:0009292, OMIM 232500.
Glycogen storage disease IV, classic hepatic. Also called: GSD IV, CLASSIC HEPATIC. Identifiers: MedGen C1856301.
Adult polyglucosan body disease (APBN). Also called: GBE1-Adult Polyglucosan Body Disease; POLYGLUCOSAN BODY DISEASE, ADULT FORM. Identifiers: Orphanet 206583, MedGen C1849722, MONDO:0009897, OMIM 263570.

Submissions (2):

Fulgent Genetics
Classification: Likely pathogenic for Glycogen storage disease, type IV; Adult polyglucosan body disease. Last evaluated: 2024-03-06. Review status: criteria provided, single submitter. Criteria: ACMG Guidelines, 2015. Collection method: clinical testing. Allele origin: germline.

Labcorp Genetics (formerly Invitae), Labcorp
Classification: Pathogenic for Glycogen storage disease, type IV; Glycogen storage disease IV, classic hepatic. Last evaluated: 2023-09-27. Review status: criteria provided, single submitter. Criteria: Invitae Variant Classification Sherloc (09022015). Collection method: clinical testing. Allele origin: germline.
Comment: This sequence change creates a premature translational stop signal (p.Arg156Phefs*10) in the GBE1 gene. It is expected to result in an absent or disrupted protein product. Loss-of-function variants in GBE1 are known to be pathogenic (PMID: 15452297, 20058079). This variant is not present in population databases (gnomAD no frequency). This variant has not been reported in the literature in individuals affected with GBE1-related conditions. ClinVar contains an entry for this variant (Variation ID: 1426965). For these reasons, this variant has been classified as Pathogenic.

Literature cited by the submitters: PubMed 15452297 (cited by Labcorp Genetics (formerly Invitae), Labcorp); PubMed 20058079 (cited by Labcorp Genetics (formerly Invitae), Labcorp).

NM_000158.4(GBE1):c.466_470del (p.Arg156fs)

Gene: GBE1 (1,4-alpha-glucan branching enzyme 1; minus strand). Cytogenetic location: 3p12.2.
Variant type: Deletion.
Coding change: c.466_470del on transcript NM_000158.4 (MANE Select); coding-DNA positions 466 to 470, 5 bases deleted (CGTAT; older notation c.466_470delCGTAT).
Protein change: p.Arg156fs; shifts the reading frame from arginine 156.
Molecular consequence: frameshift variant.
Genome position (GRCh38, 1-based): chr3:81,649,881-81,649,885, ATACG deleted on the plus strand (CGTAT on the coding strand, the reverse complement: GBE1 is on the minus strand); deleting any 5 consecutive bases within chr3:81,649,881-81,649,889 gives the same sequence; the c. name uses the placement nearest the transcript's 3' end. VCF-style (leftmost placement, unchanged base first): chr3-81649880-AATACG-A. GRCh37 (hg19) VCF-style: chr3-81699031-AATACG-A.
Other names: short protein forms R156fs.
Identifiers: ClinVar variation 1426965 (VCV001426965.7), dbSNP rs2107074878, ClinGen allele CA2573137465.